The following is an entry in ClinVar:

NM_000159.4(GCDH):c.635G>A (p.Trp212Ter)

Gene: GCDH (glutaryl-CoA dehydrogenase; plus strand). Cytogenetic location: 19p13.13.
Variant type: single nucleotide variant.
Coding change: c.635G>A on transcript NM_000159.4 (MANE Select); coding-DNA position 635, G replaced by A.
Protein change: p.Trp212Ter; replaces tryptophan 212 with a stop codon.
Molecular consequence: nonsense. On other transcripts: non-coding transcript variant (2).
Genome position (GRCh38, 1-based): chr19:12,896,121, G>A. VCF-style: chr19-12896121-G-A. GRCh37 (hg19) VCF-style: chr19-13006935-G-A.
Other names: c.635G>A, p.Trp212Ter (NM_013976.5); short protein forms W212*.
Identifiers: ClinVar variation 984312 (VCV000984312.3), dbSNP rs1970671544, ClinGen allele CA404318395.

ClinVar aggregate classification (germline): Likely pathogenic (1 of 4 stars; one submission).

Conditions:
Glutaric aciduria, type 1. Also called: Glutaricaciduria, type I; GA I; Glutaric acidemia type I; Glutaricacidemia Type 1; Glutaryl-CoA dehydrogenase deficiency; Glutaric Acidemia Type 1. Identifiers: Orphanet 25, MedGen C0268595, MONDO:0009281, OMIM 231670.

Allele frequency attached by ClinVar (database versions not stated): gnomAD exomes below 0.00001.
gnomAD v4.1: 1 of 1,614,112 alleles (0.000062%); highest among the groups gnomAD compares: Non-Finnish European, 0.000085%; no homozygotes.

Submission:

Myriad Genetics, Inc.
Classification: Likely pathogenic for Glutaric aciduria, type 1. Last evaluated: 2019-03-31. Review status: criteria provided, single submitter. Criteria: Myriad Women's Health Autosomal Recessive and X-Linked Classification Criteria (2019). Collection method: clinical testing. Allele origin: unknown.
Comment: NM_000159.2(GCDH):c.635G>A(W212*) is expected to be pathogenic in the context of glutaric acidemia, GCDH-related. This variant is predicted to lead to an abnormal or absent protein product due to the creation of a premature termination codon in GCDH, a gene where loss-of-function variants are known to be pathogenic. Please note: this variant was assessed in the context of healthy population screening.